The following is an entry in ClinVar:

ClinVar aggregate classification (germline): Uncertain significance (1 of 4 stars; one submission).

Conditions:
Long QT syndrome (LQTS). Identifiers: MedGen C0023976, MeSH D008133, MONDO:0002442. Disease mechanism: loss of function. Inheritance: Various modes of inheritance.

Submission:

Labcorp Genetics (formerly Invitae), Labcorp
Classification: Uncertain significance for Long QT syndrome. Last evaluated: 2022-04-02. Review status: criteria provided, single submitter. Criteria: Invitae Variant Classification Sherloc (09022015). Collection method: clinical testing. Allele origin: germline.
Comment: Algorithms developed to predict the effect of missense changes on protein structure and function (SIFT, PolyPhen-2, Align-GVGD) all suggest that this variant is likely to be tolerated. This sequence change replaces cysteine, which is neutral and slightly polar, with tyrosine, which is neutral and polar, at codon 140 of the CAV3 protein (p.Cys140Tyr). This variant is not present in population databases (gnomAD no frequency). This variant has not been reported in the literature in individuals affected with CAV3-related conditions. In summary, the available evidence is currently insufficient to determine the role of this variant in disease. Therefore, it has been classified as a Variant of Uncertain Significance.

NM_033337.3(CAV3):c.419G>A (p.Cys140Tyr)

Genes: OXTR (oxytocin receptor; minus strand), CAV3 (caveolin 3; plus strand). Cytogenetic location: 3p25.3.
Variant type: single nucleotide variant.
Coding change: c.419G>A on transcript NM_033337.3 (MANE Select); coding-DNA position 419, G replaced by A.
Protein change: p.Cys140Tyr; replaces cysteine 140 with tyrosine.
Molecular consequence: missense variant.
Genome position (GRCh38, 1-based): chr3:8,745,830, G>A. VCF-style: chr3-8745830-G-A. GRCh37 (hg19) VCF-style: chr3-8787516-G-A.
Other names: c.419G>A, p.Cys140Tyr (NM_001234.5); short protein forms C140Y.
Identifiers: ClinVar variation 2120832 (VCV002120832.4), dbSNP rs2470062789, ClinGen allele CA351663725.